The following is an entry in ClinVar:

NM_000548.5(TSC2):c.5170C>T (p.Gln1724Ter)

Gene: TSC2 (TSC complex subunit 2; plus strand). Cytogenetic location: 16p13.3.
Variant type: single nucleotide variant.
Coding change: c.5170C>T on transcript NM_000548.5 (MANE Select); coding-DNA position 5170, C replaced by T.
Protein change: p.Gln1724Ter; replaces glutamine 1724 with a stop codon.
Molecular consequence: nonsense. On other transcripts: intron variant (1).
Genome position (GRCh38, 1-based): chr16:2,088,236, C>T. VCF-style: chr16-2088236-C-T. GRCh37 (hg19) VCF-style: chr16-2138237-C-T.
Other names: c.4969C>T, p.Gln1657Ter (NM_001077183.3); c.5101C>T, p.Gln1701Ter (NM_001114382.3); c.4861C>T, p.Gln1621Ter (NM_001318827.2); c.4825C>T, p.Gln1609Ter (NM_001318829.2); c.4438C>T, p.Gln1480Ter (NM_001318831.2); c.5002C>T, p.Gln1668Ter (NM_001318832.2); c.4972C>T, p.Gln1658Ter (NM_001363528.2); c.5038C>T, p.Gln1680Ter (NM_001370404.1); and 2 more; short protein forms Q1724*, Q1609*, Q1657*, Q1480*, Q1658*, Q1621*, Q1668*, Q1680*.
Identifiers: ClinVar variation 49950 (VCV000049950.9), dbSNP rs45472701, ClinGen allele CA022073.
Genomic context (GRCh38, chr16:2,088,236, plus strand): 5'-CAGGCCCAGGTGCCACCTGATAGTGAGCTCACCCCCTGCCTACGTCCCCAGATGGCCTCA[C>T]AGGTGCATCATAGCCGCTCCAACCCCACCGATATCTACCCCTCCAAGTGGATTGCCCGGC-3'

ClinVar aggregate classification (germline): Pathogenic. Review status: criteria provided, multiple submitters, no conflicts (2 of 4 stars). 4 submissions from 4 submitters: Pathogenic (3). 1 of the submissions does not count toward it. Last evaluated 2023-07-03.

Conditions:
Hereditary cancer-predisposing syndrome. Also called: Neoplastic Syndromes, Hereditary; Tumor predisposition; Hereditary Cancer Syndrome; Hereditary neoplastic syndrome. Identifiers: Orphanet 140162, MedGen C0027672, MeSH D009386, MONDO:0015356.
Tuberous sclerosis syndrome (TSC). Also called: Tuberous Sclerosis Complex; Tuberous sclerosis. Identifiers: Orphanet 805, MedGen C0041341, MONDO:0001734.
Tuberous sclerosis 2 (TSC2). Identifiers: Orphanet 805, MedGen C1860707, MONDO:0013199, OMIM 613254.

Submissions (4):

Labcorp Genetics (formerly Invitae), Labcorp
Classification: Pathogenic for Tuberous sclerosis 2. Last evaluated: 2023-07-03. Review status: criteria provided, single submitter. Criteria: Invitae Variant Classification Sherloc (09022015). Collection method: clinical testing. Allele origin: germline.
Comment: For these reasons, this variant has been classified as Pathogenic. ClinVar contains an entry for this variant (Variation ID: 49950). This premature translational stop signal has been observed in individual(s) with tuberous sclerosis complex (PMID: 9829910). This variant is not present in population databases (gnomAD no frequency). This sequence change creates a premature translational stop signal (p.Gln1724*) in the TSC2 gene. It is expected to result in an absent or disrupted protein product. Loss-of-function variants in TSC2 are known to be pathogenic (PMID: 10205261, 17304050).

Ambry Genetics
Classification: Pathogenic for Hereditary cancer-predisposing syndrome. Last evaluated: 2021-10-19. Review status: criteria provided, single submitter. Criteria: Ambry Variant Classification Scheme 2023. Collection method: clinical testing. Allele origin: germline.
Comment: The p.Q1724* pathogenic mutation (also known as c.5170C>T), located in coding exon 40 of the TSC2 gene, results from a C to T substitution at nucleotide position 5170. This changes the amino acid from a glutamine to a stop codon within coding exon 40. This alteration was identified in an individual with a clinical diagnosis of tuberous sclerosis complex (TSC) (Beauchamp RL et al. Hum Mutat, 1998;12:408-16). This variant is considered to be rare based on population cohorts in the Genome Aggregation Database (gnomAD). In addition to the clinical data presented in the literature, this alteration is expected to result in loss of function by premature protein truncation or nonsense-mediated mRNA decay. As such, this alteration is interpreted as a disease-causing mutation.

Athena Diagnostics
Classification: Pathogenic for Tuberous sclerosis 2. Last evaluated: 2015-01-20. Review status: criteria provided, single submitter. Criteria: Athena Diagnostics Criteria. Collection method: clinical testing. Allele origin: germline. Inheritance: Autosomal dominant inheritance.

Tuberous sclerosis database (TSC2)
No classification provided. Condition: TSC. Review status: no classification provided. Criteria: Tuberous Sclerosis Database Assertion Criteria 2015. Collection method: curation. Allele origin: germline. Affected: yes. Not counted in ClinVar's aggregate classification.

Literature cited by the submitters: PubMed 9829910 (cited by 3 submitters); PubMed 10205261 (cited by Labcorp Genetics (formerly Invitae), Labcorp); PubMed 17304050 (cited by Labcorp Genetics (formerly Invitae), Labcorp).